The following is an entry in ClinVar:

NM_177965.4(CFAP418):c.37G>C (p.Glu13Gln)

Genes: CFAP418 (cilia and flagella associated protein 418; minus strand), CFAP418-AS1 (CFAP418 antisense RNA 1; plus strand), LOC130000784 (ATAC-STARR-seq lymphoblastoid active region 27655; plus strand). Cytogenetic location: 8q22.1.
Variant type: single nucleotide variant.
Coding change: c.37G>C on transcript NM_177965.4 (MANE Select); coding-DNA position 37, G replaced by C.
Protein change: p.Glu13Gln; replaces glutamic acid 13 with glutamine.
Molecular consequence: missense variant.
Genome position (GRCh38, 1-based): chr8:95,269,153, C>G on the plus strand (G>C on the coding strand, the complement: CFAP418 is on the minus strand). VCF-style: chr8-95269153-C-G. GRCh37 (hg19) VCF-style: chr8-96281381-C-G.
Other names: c.37G>C, p.Glu13Gln (NM_001363260.1); short protein forms E13Q.
Identifiers: ClinVar variation 4726617 (VCV004726617.1).
Genomic context (GRCh38, chr8:95,269,153, plus strand): 5'-AGCCTTTGGGCTGCTCGACCATACCCCGTCTTAGAAGGTCAGGTGTGCAAAACTTGGACT[C>G]GACTTCATCCAAGAGCTCGTCCAGGTCCTCCGCCATCTTGAATCGCCTGGCCTTTTCCCC-3'
Protein context (NP_808880.1, residues 3-23): EDLDELLDEV[Glu13Gln]SKFCTPDLLR

ClinVar aggregate classification (germline): Uncertain significance (1 of 4 stars; one submission).

gnomAD v4.1: 1 of 1,614,226 alleles (0.000062%); highest among the groups gnomAD compares: Non-Finnish European, 0.000085%; no homozygotes.

Submission:

Labcorp Genetics (formerly Invitae), Labcorp
Classification: Uncertain significance. Last evaluated: 2025-09-11. Review status: criteria provided, single submitter. Criteria: Invitae Variant Classification Sherloc (09022015). Collection method: clinical testing. Allele origin: germline.
Comment: This sequence change replaces glutamic acid, which is acidic and polar, with glutamine, which is neutral and polar, at codon 13 of the C8orf37 protein (p.Glu13Gln). This variant is not present in population databases (gnomAD no frequency). This variant has not been reported in the literature in individuals affected with C8orf37-related conditions. An algorithm developed to predict the effect of missense changes on protein structure and function (PolyPhen-2) suggests that this variant is likely to be disruptive. In summary, the available evidence is currently insufficient to determine the role of this variant in disease. Therefore, it has been classified as a Variant of Uncertain Significance.